The following is an entry in ClinVar:

NM_024496.4(IRF2BPL):c.1250dup (p.Leu417fs)

Gene: IRF2BPL (interferon regulatory factor 2 binding protein like; minus strand). Cytogenetic location: 14q24.3.
Variant type: Duplication.
Coding change: c.1250dup on transcript NM_024496.4 (MANE Select); coding-DNA position 1250, one base duplicated (T; older notation c.1250dupT).
Protein change: p.Leu417fs; shifts the reading frame from leucine 417.
Molecular consequence: frameshift variant.
Genome position (GRCh38, 1-based): chr14:77,026,543, A duplicated on the plus strand (T on the coding strand, the reverse complement: IRF2BPL is on the minus strand); the first of 2 consecutive A bases (chr14:77,026,543-77,026,544); duplicating either gives the same sequence. VCF-style (leftmost placement, unchanged base first): chr14-77026542-C-CA. GRCh37 (hg19) VCF-style: chr14-77492885-C-CA.
Other names: c.1250dupT (NM_024496.3, NM_024496.2); short protein forms L417fs.
Identifiers: ClinVar variation 1185704 (VCV001185704.8), dbSNP rs2140377848, ClinGen allele CA2499222742.

ClinVar aggregate classification (germline): Pathogenic/Likely pathogenic. Review status: criteria provided, multiple submitters, no conflicts (2 of 4 stars). 2 submissions from 2 submitters: Pathogenic (1); Likely pathogenic (1). Last evaluated 2026-08-25.

Conditions:
Inborn genetic diseases. Identifiers: MedGen C0950123, MeSH D030342.

Submissions (2):

GeneDx
Classification: Likely pathogenic. Last evaluated: 2026-08-25. Review status: criteria provided, single submitter. Criteria: GeneDx Variant Classification Process June 2021. Collection method: clinical testing. Allele origin: germline.
Comment: Reported in an individual from a large cohort of patients with autism (PMID: 38958063); Not observed at significant frequency in large population cohorts (gnomAD); Frameshift variant predicted to result in abnormal protein length as the last 380 amino acid(s) are replaced with 5 different amino acid(s), and other similar variants have been reported in HGMD; This variant is associated with the following publications: (PMID: 34102826, 36475376, 38958063)

Ambry Genetics
Classification: Pathogenic for Inborn genetic diseases. Last evaluated: 2025-09-18. Review status: criteria provided, single submitter. Criteria: Ambry Variant Classification Scheme 2023. Collection method: clinical testing. Allele origin: germline.
Comment: The c.1250dupT (p.L417Ffs*6) alteration, located in exon 1 (coding exon 1) of the IRF2BPL gene, consists of a duplication of T at position 1250, causing a translational frameshift with a predicted alternate stop codon after 6 amino acids. Because IRF2BPL is a single-exon gene, this alteration is not expected to trigger nonsense-mediated mRNA decay and an altered protein could still be expressed (Maquat, 2004). However, frameshifts are typically deleterious in nature, the impacted region is critical for protein function, and a significant portion of the protein (48%) is affected (Ambry internal data). This variant was not reported in population-based cohorts in the Genome Aggregation Database (gnomAD). Based on the available evidence, this alteration is classified as pathogenic.